The following is an entry in ClinVar:

NM_020693.4(DSCAML1):c.5602C>T (p.Arg1868Cys)

Gene: DSCAML1 (DS cell adhesion molecule like 1; minus strand). Cytogenetic location: 11q23.3.
Variant type: single nucleotide variant.
Coding change: c.5602C>T on transcript NM_020693.4 (MANE Select); coding-DNA position 5602, C replaced by T.
Protein change: p.Arg1868Cys; replaces arginine 1868 with cysteine.
Molecular consequence: missense variant.
Genome position (GRCh38, 1-based): chr11:117,430,806, G>A on the plus strand (C>T on the coding strand, the complement: DSCAML1 is on the minus strand). VCF-style: chr11-117430806-G-A. GRCh37 (hg19) VCF-style: chr11-117301522-G-A.
Other names: short protein forms R1868C.
Identifiers: ClinVar variation 2868701 (VCV002868701.3), dbSNP rs915274989, ClinGen allele CA229394327.

ClinVar aggregate classification (germline): Uncertain significance (1 of 4 stars; one submission).

Allele frequency attached by ClinVar (database versions not stated): gnomAD 0.00001; TOPMed 0.00001.
gnomAD v4.1: 8 of 1,614,012 alleles (0.0005%); highest among the groups gnomAD compares: African/African-American, 0.0053%; no homozygotes.

Submission:

Labcorp Genetics (formerly Invitae), Labcorp
Classification: Uncertain significance. Last evaluated: 2023-11-03. Review status: criteria provided, single submitter. Criteria: Invitae Variant Classification Sherloc (09022015). Collection method: clinical testing. Allele origin: germline.
Comment: This sequence change replaces arginine, which is basic and polar, with cysteine, which is neutral and slightly polar, at codon 1928 of the DSCAML1 protein (p.Arg1928Cys). The frequency data for this variant in the population databases is considered unreliable, as metrics indicate poor data quality at this position in the gnomAD database. This variant has not been reported in the literature in individuals affected with DSCAML1-related conditions. An algorithm developed to predict the effect of missense changes on protein structure and function (PolyPhen-2) suggests that this variant is likely to be disruptive. In summary, the available evidence is currently insufficient to determine the role of this variant in disease. Therefore, it has been classified as a Variant of Uncertain Significance.